The following is an entry in ClinVar:

ClinVar aggregate classification (germline): Pathogenic (1 of 4 stars; one submission).

Conditions:
Acromesomelic dysplasia 4. Identifiers: MedGen C5562028, MONDO:0030553, OMIM 619636.

Submission:

Genetic Endocrinology Unit / Unidade de Endocrinologia Genetica - LIM25, Universidade de Sao Paulo (USP)
Classification: Pathogenic for Acromesomelic dysplasia 4. Last evaluated: 2023-05-11. Review status: criteria provided, single submitter. Criteria: ACMG Guidelines, 2015. Collection method: clinical testing. Allele origin: biparental. Inheritance: Autosomal recessive inheritance. Affected: yes. Observed: 1 homozygote.
Comment: The c.1154+1G>A variant occurs in a splice consensus site, predicted to alter splicing and result in a loss or disruption of normal protein function (PVS1). The variant is absent in most population databases (genomAD) and has a low frequency in the Brazilian population (MAF 0.000427) (PM2). The patient's phenotype is compatible with the diagnosis of Acromesomelic dysplasia, without other genetic alterations that explain the phenotype (PP4).

NM_006259.3(PRKG2):c.1154+1G>A

Gene: PRKG2 (protein kinase cGMP-dependent 2; minus strand). Cytogenetic location: 4q21.21.
Variant type: single nucleotide variant.
Coding change: c.1154+1G>A on transcript NM_006259.3 (MANE Select); the canonical splice donor site of the intron after coding-DNA position 1154, G replaced by A.
Molecular consequence: splice donor variant.
Genome position (GRCh38, 1-based): chr4:81,148,883, C>T on the plus strand (G>A on the coding strand, the complement: PRKG2 is on the minus strand). VCF-style: chr4-81148883-C-T. GRCh37 (hg19) VCF-style: chr4-82070037-C-T.
Other names: c.-107+1G>A (NM_001282482.1, NM_001282481.1, NM_001282480.1); c.-264+1G>A (NM_001282483.1); c.1154+1G>A (NM_001282485.2, NM_001363401.2).
Identifiers: ClinVar variation 2502276 (VCV002502276.2), dbSNP rs995285513, ClinGen allele CA99636719.